The following is an entry in ClinVar:

NM_004371.4(COPA):c.2498C>T (p.Ala833Val)

Gene: COPA (coat protein complex I subunit alpha; minus strand). Cytogenetic location: 1q23.2.
Variant type: single nucleotide variant.
Coding change: c.2498C>T on transcript NM_004371.4 (MANE Select); coding-DNA position 2498, C replaced by T.
Protein change: p.Ala833Val; replaces alanine 833 with valine.
Molecular consequence: missense variant.
Genome position (GRCh38, 1-based): chr1:160,294,836, G>A on the plus strand (C>T on the coding strand, the complement: COPA is on the minus strand). VCF-style: chr1-160294836-G-A. GRCh37 (hg19) VCF-style: chr1-160264626-G-A.
Other names: c.2525C>T, p.Ala842Val (NM_001098398.2); short protein forms A842V, A833V.
Identifiers: ClinVar variation 1505456 (VCV001505456.8), dbSNP rs746722049, ClinGen allele CA1197869.

ClinVar aggregate classification (germline): Uncertain significance (1 of 4 stars; one submission).

Conditions:
Autoimmune interstitial lung disease-arthritis syndrome. Also called: Autoinflammation and autoimmunity, systemic, with immune dysregulation. Identifiers: Orphanet 444092, MedGen C5975714, MONDO:0014629.

Allele frequency attached by ClinVar (database versions not stated): gnomAD exomes below 0.00001; ExAC 0.00001.
gnomAD v4.1: 2 of 1,614,100 alleles (0.00012%); highest among the groups gnomAD compares: Non-Finnish European, 0.00017%; no homozygotes.

Submission:

Labcorp Genetics (formerly Invitae), Labcorp
Classification: Uncertain significance for Autoimmune interstitial lung disease-arthritis syndrome. Last evaluated: 2021-05-13. Review status: criteria provided, single submitter. Criteria: Invitae Variant Classification Sherloc (09022015). Collection method: clinical testing. Allele origin: germline.
Comment: This variant is present in population databases (rs746722049, ExAC 0.001%). This variant has not been reported in the literature in individuals with COPA-related conditions. Advanced modeling of protein sequence and biophysical properties (such as structural, functional, and spatial information, amino acid conservation, physicochemical variation, residue mobility, and thermodynamic stability) performed at Invitae indicates that this missense variant is not expected to disrupt COPA protein function. In summary, the available evidence is currently insufficient to determine the role of this variant in disease. Therefore, it has been classified as a Variant of Uncertain Significance. This sequence change replaces alanine with valine at codon 833 of the COPA protein (p.Ala833Val). The alanine residue is highly conserved and there is a small physicochemical difference between alanine and valine.